The following is an entry in ClinVar:

NM_000557.5(GDF5):c.194A>G (p.Tyr65Cys)

Gene: GDF5 (growth differentiation factor 5; minus strand). Cytogenetic location: 20q11.22.
Variant type: single nucleotide variant.
Coding change: c.194A>G on transcript NM_000557.5 (MANE Select); coding-DNA position 194, A replaced by G.
Protein change: p.Tyr65Cys; replaces tyrosine 65 with cysteine.
Molecular consequence: missense variant.
Genome position (GRCh38, 1-based): chr20:35,437,735, T>C on the plus strand (A>G on the coding strand, the complement: GDF5 is on the minus strand). VCF-style: chr20-35437735-T-C. GRCh37 (hg19) VCF-style: chr20-34025515-T-C.
Other names: c.194A>G, p.Tyr65Cys (NM_001319138.2); short protein forms Y65C.
Identifiers: ClinVar variation 4809058 (VCV004809058.1).

ClinVar aggregate classification (germline): Uncertain significance (1 of 4 stars; one submission).

gnomAD v4.1: 11 of 1,613,510 alleles (0.00068%); highest among the groups gnomAD compares: Non-Finnish European, 0.00093%; no homozygotes.

Submission:

Labcorp Genetics (formerly Invitae), Labcorp
Classification: Uncertain significance. Last evaluated: 2025-08-06. Review status: criteria provided, single submitter. Criteria: Invitae Variant Classification Sherloc (09022015). Collection method: clinical testing. Allele origin: germline.
Comment: This sequence change replaces tyrosine, which is neutral and polar, with cysteine, which is neutral and slightly polar, at codon 65 of the GDF5 protein (p.Tyr65Cys). This variant is not present in population databases (gnomAD no frequency). This variant has not been reported in the literature in individuals affected with GDF5-related conditions. An algorithm developed to predict the effect of missense changes on protein structure and function (PolyPhen-2) suggests that this variant is likely to be tolerated. In summary, the available evidence is currently insufficient to determine the role of this variant in disease. Therefore, it has been classified as a Variant of Uncertain Significance.